The following is an entry in ClinVar:

NM_002242.4(KCNJ13):c.253C>G (p.Leu85Val)

Genes: GIGYF2 (GRB10 interacting GYF protein 2; plus strand), KCNJ13 (potassium inwardly rectifying channel subfamily J member 13; minus strand). Cytogenetic location: 2q37.1.
Variant type: single nucleotide variant.
Coding change: c.253C>G on transcript NM_002242.4 (MANE Select); coding-DNA position 253, C replaced by G.
Protein change: p.Leu85Val; replaces leucine 85 with valine.
Molecular consequence: missense variant. On other transcripts: intron variant (5).
Genome position (GRCh38, 1-based): chr2:232,771,110, G>C on the plus strand (C>G on the coding strand, the complement: KCNJ13 is on the minus strand). VCF-style: chr2-232771110-G-C. GRCh37 (hg19) VCF-style: chr2-233635820-G-C.
Other names: c.13C>G, p.Leu5Val (NM_001172417.1); c.532+9674G>C (NM_001103146.3, NM_015575.4, NM_001103148.2); c.533-5302G>C (NM_001103147.2); c.224+29C>G (NM_001172416.1); short protein forms L5V, L85V.
Identifiers: ClinVar variation 2060108 (VCV002060108.5), dbSNP rs1699226723, ClinGen allele CA351013834.

ClinVar aggregate classification (germline): Uncertain significance. Review status: criteria provided, multiple submitters, no conflicts (2 of 4 stars). 2 submissions from 2 submitters: Uncertain significance (2). Last evaluated 2022-08-02.

Allele frequency attached by ClinVar (database versions not stated): TOPMed below 0.00001.
gnomAD v4.1: 1 of 1,614,076 alleles (0.000062%); highest among the groups gnomAD compares: Non-Finnish European, 0.000085%; no homozygotes.

Submissions (2):

Labcorp Genetics (formerly Invitae), Labcorp
Classification: Uncertain significance. Last evaluated: 2022-08-02. Review status: criteria provided, single submitter. Criteria: Invitae Variant Classification Sherloc (09022015). Collection method: clinical testing. Allele origin: germline.
Comment: This sequence change replaces leucine, which is neutral and non-polar, with valine, which is neutral and non-polar, at codon 85 of the KCNJ13 protein (p.Leu85Val). In summary, the available evidence is currently insufficient to determine the role of this variant in disease. Therefore, it has been classified as a Variant of Uncertain Significance. Algorithms developed to predict the effect of missense changes on protein structure and function are either unavailable or do not agree on the potential impact of this missense change (SIFT: "Deleterious"; PolyPhen-2: "Possibly Damaging"; Align-GVGD: "Class C0"). This variant has not been reported in the literature in individuals affected with KCNJ13-related conditions. This variant is not present in population databases (gnomAD no frequency).

Ambry Genetics
Classification: Uncertain significance. Last evaluated: 2021-08-13. Review status: criteria provided, single submitter. Criteria: Ambry Variant Classification Scheme 2023. Collection method: clinical testing. Allele origin: germline.